The following is an entry in ClinVar:

NM_001939.3(DRP2):c.95G>A (p.Arg32Gln)

Gene: DRP2 (dystrophin related protein 2; plus strand). Cytogenetic location: Xq22.1.
Variant type: single nucleotide variant.
Coding change: c.95G>A on transcript NM_001939.3 (MANE Select); coding-DNA position 95, G replaced by A.
Protein change: p.Arg32Gln; replaces arginine 32 with glutamine.
Molecular consequence: missense variant. On other transcripts: intron variant (1).
Genome position (GRCh38, 1-based): chrX:101,231,742, G>A. VCF-style: chrX-101231742-G-A. GRCh37 (hg19) VCF-style: chrX-100486731-G-A.
Other names: c.-117-4118G>A (NM_001171184.2); c.95G>A (NM_001939.2); short protein forms R32Q.
Identifiers: ClinVar variation 1335783 (VCV001335783.41), dbSNP rs201882686, ClinGen allele CA10471991.

ClinVar aggregate classification (germline): Conflicting classifications of pathogenicity. Review status: criteria provided, conflicting classifications (1 of 4 stars). 3 submissions from 3 submitters: Uncertain significance (2); Likely benign (1). Last evaluated 2025-11-10.

Conditions:
Charcot-Marie-Tooth disease. Also called: Charcot-Marie-Tooth Hereditary Neuropathy; Charcot-Marie-Tooth Neuropathy. Identifiers: Orphanet 166, MedGen C0007959, MONDO:0015626.

Allele frequency attached by ClinVar (database versions not stated): TOPMed 0.00008; ESP Exome Variant Server 0.00009; gnomAD 0.00015; gnomAD exomes 0.00015; ExAC 0.00023.
gnomAD v4.1: 185 of 1,207,740 alleles (0.015%); highest among the groups gnomAD compares: Non-Finnish European, 0.019%; no homozygotes.

Submissions (3):

Labcorp Genetics (formerly Invitae), Labcorp
Classification: Uncertain significance. Last evaluated: 2025-11-10. Review status: criteria provided, single submitter. Criteria: Invitae Variant Classification Sherloc (09022015). Collection method: clinical testing. Allele origin: germline.
Comment: This sequence change replaces arginine, which is basic and polar, with glutamine, which is neutral and polar, at codon 32 of the DRP2 protein (p.Arg32Gln). This variant is present in population databases (rs201882686, gnomAD 0.03%), and has an allele count higher than expected for a pathogenic variant. This variant has not been reported in the literature in individuals affected with DRP2-related conditions. ClinVar contains an entry for this variant (Variation ID: 1335783). An algorithm developed to predict the effect of missense changes on protein structure and function (PolyPhen-2) suggests that this variant is likely to be tolerated. In summary, the available evidence is currently insufficient to determine the role of this variant in disease. Therefore, it has been classified as a Variant of Uncertain Significance.

Women's Health and Genetics/Laboratory Corporation of America, LabCorp
Classification: Uncertain significance. Last evaluated: 2025-11-05. Review status: criteria provided, single submitter. Criteria: LabCorp Variant Classification Summary - May 2015. Collection method: clinical testing. Allele origin: germline.
Comment: Variant summary: DRP2 c.95G>A (p.Arg32Gln) results in a conservative amino acid change in the encoded protein sequence. Algorithms developed to predict the effect of missense changes on protein structure and function are either unavailable or do not agree on the potential impact of this missense change. The variant allele was found at a frequency of 0.00015 in 182193 control chromosomes. This frequency is not significantly higher than estimated for disease-causing variants in DRP2, allowing no conclusion about variant significance. To our knowledge, no occurrence of c.95G>A in individuals affected with DRP2-related conditions and no experimental evidence demonstrating its impact on protein function have been reported. ClinVar contains an entry for this variant (Variation ID: 1335783). Based on the evidence outlined above, the variant was classified as uncertain significance.

CeGaT Center for Human Genetics Tuebingen
Classification: Likely benign. Last evaluated: 2024-01-01. Review status: criteria provided, single submitter. Criteria: CeGaT Center For Human Genetics Tuebingen Variant Classification Criteria Version 2. Collection method: clinical testing. Allele origin: germline. Affected: yes. Observed: 3 variant alleles.
Comment: DRP2: BP4, BS2